The following is an entry in ClinVar:

NM_000059.4(BRCA2):c.5016C>G (p.Tyr1672Ter)

Gene: BRCA2 (BRCA2 DNA repair associated; plus strand). Cytogenetic location: 13q13.1.
Variant type: single nucleotide variant.
Coding change: c.5016C>G on transcript NM_000059.4 (MANE Select); coding-DNA position 5016, C replaced by G.
Protein change: p.Tyr1672Ter; replaces tyrosine 1672 with a stop codon.
Molecular consequence: nonsense.
Genome position (GRCh38, 1-based): chr13:32,339,371, C>G. VCF-style: chr13-32339371-C-G. GRCh37 (hg19) VCF-style: chr13-32913508-C-G.
Other names: short protein forms Y1672*.
Identifiers: ClinVar variation 219406 (VCV000219406.36), dbSNP rs864622073, ClinGen allele CA348640.
Genomic context (GRCh38, chr13:32,339,371, plus strand): 5'-AACTTGTTACACAAATCAGTCCCCTTATTCAGTCATTGAAAATTCAGCCTTAGCTTTTTA[C>G]ACAAGTTGTAGTAGAAAAACTTCTGTGAGTCAGACTTCATTACTTGAAGCAAAAAAATGG-3'

ClinVar aggregate classification (germline): Pathogenic. Review status: reviewed by expert panel (3 of 4 stars). 6 submissions from 6 submitters: Pathogenic (1). 5 of the submissions do not count toward it. Last evaluated 2016-09-08.

Conditions:
Hereditary cancer-predisposing syndrome. Also called: Tumor predisposition; Hereditary Cancer Syndrome; Neoplastic Syndromes, Hereditary; Hereditary neoplastic syndrome. Identifiers: Orphanet 140162, MedGen C0027672, MeSH D009386, MONDO:0015356.
Hereditary breast ovarian cancer syndrome. Also called: Hereditary breast and/or ovarian cancer syndrome; BRCA1- and BRCA2-Associated Hereditary Breast and Ovarian Cancer; Hereditary breast and ovarian cancer; Hereditary breast and ovarian cancer syndrome (HBOC); Breast and ovarian cancer; Hereditary breast and ovarian cancer syndrome. Identifiers: Orphanet 145, MedGen C0677776, MeSH D061325, MONDO:0003582. Disease mechanism: loss of function.
Breast-ovarian cancer, familial, susceptibility to, 2 (BROVCA2). Also called: BRCA2 Hereditary Breast and Ovarian Cancer. Identifiers: Orphanet 145, MedGen C2675520, MONDO:0012933, OMIM 612555. Disease mechanism: loss of function.

Submissions (6):

Evidence-based Network for the Interpretation of Germline Mutant Alleles (ENIGMA)
Classification: Pathogenic for Breast-ovarian cancer, familial, susceptibility to, 2. Last evaluated: 2016-09-08. Review status: reviewed by expert panel. Criteria: ENIGMA BRCA1/2 Classification Criteria (2015). Collection method: curation. Allele origin: germline.
Comment: Variant allele predicted to encode a truncated non-functional protein.

Labcorp Genetics (formerly Invitae), Labcorp
Classification: Pathogenic for Hereditary breast ovarian cancer syndrome. Last evaluated: 2024-09-23. Review status: criteria provided, single submitter. Criteria: Invitae Variant Classification Sherloc (09022015). Collection method: clinical testing. Allele origin: germline. Not counted in ClinVar's aggregate classification.
Comment: This sequence change creates a premature translational stop signal (p.Tyr1672*) in the BRCA2 gene. It is expected to result in an absent or disrupted protein product. Loss-of-function variants in BRCA2 are known to be pathogenic (PMID: 20104584). This variant is not present in population databases (gnomAD no frequency). This premature translational stop signal has been observed in individual(s) with hereditary breast and/or ovarian cancer (PMID: 29446198). ClinVar contains an entry for this variant (Variation ID: 219406). For these reasons, this variant has been classified as Pathogenic.

Ambry Genetics
Classification: Pathogenic for Hereditary cancer-predisposing syndrome. Last evaluated: 2023-09-26. Review status: criteria provided, single submitter. Criteria: Ambry Variant Classification Scheme 2023. Collection method: clinical testing. Allele origin: germline. Not counted in ClinVar's aggregate classification.
Comment: The p.Y1672* pathogenic mutation (also known as c.5016C>G), located in coding exon 10 of the BRCA2 gene, results from a C to G substitution at nucleotide position 5016. This changes the amino acid from a tyrosine to a stop codon within coding exon 10. This alteration is expected to result in loss of function by premature protein truncation or nonsense-mediated mRNA decay. As such, this alteration is interpreted as a disease-causing mutation.

Color Diagnostics, LLC DBA Color Health
Classification: Pathogenic for Hereditary cancer-predisposing syndrome. Last evaluated: 2022-04-18. Review status: criteria provided, single submitter. Criteria: ACMG Guidelines, 2015. Collection method: clinical testing. Allele origin: germline. Not counted in ClinVar's aggregate classification.
Comment: This variant changes 1 nucleotide in exon 11 of the BRCA2 gene, creating a premature translation stop signal. This variant is expected to result in an absent or non-functional protein product. This variant has been reported in 1 individual affected with breast cancer (PMID: 33471991) and has been identified in 2 families among the CIMBA participants (PMID: 29446198). This variant has not been identified in the general population by the Genome Aggregation Database (gnomAD). Loss of BRCA2 function is a known mechanism of disease. Based on the available evidence, this variant is classified as Pathogenic.

Consortium of Investigators of Modifiers of BRCA1/2 (CIMBA), c/o University of Cambridge
Classification: Pathogenic for Breast-ovarian cancer, familial, susceptibility to, 2. Last evaluated: 2015-10-02. Review status: criteria provided, single submitter. Criteria: CIMBA Mutation Classification guidelines May 2016. Collection method: clinical testing. Allele origin: germline. Not counted in ClinVar's aggregate classification.

BRCAlab, Lund University
Classification: Pathogenic for Breast-ovarian cancer, familial, susceptibility to, 2. Last evaluated: 2022-08-26. Review status: no assertion criteria provided. Collection method: clinical testing. Allele origin: germline. Affected: yes. Not counted in ClinVar's aggregate classification.

Literature cited by the submitters: PubMed 20104584 (cited by Labcorp Genetics (formerly Invitae), Labcorp); PubMed 29446198 (cited by Labcorp Genetics (formerly Invitae), Labcorp and Color Diagnostics, LLC DBA Color Health); PubMed 33471991 (cited by Color Diagnostics, LLC DBA Color Health).